The following is an entry in ClinVar:

ClinVar aggregate classification (germline): Likely benign. Review status: criteria provided, single submitter (1 of 4 stars). 2 submissions from 2 submitters: Likely benign (1). 1 of the submissions does not count toward it. Last evaluated 2025-07-06.

Conditions:
IGF1R-related disorder. Also called: IGF1R-related condition.

Allele frequency attached by ClinVar (database versions not stated): TOPMed 0.00005; ExAC 0.00002; gnomAD exomes 0.00002; gnomAD 0.00005.
gnomAD v4.1: 39 of 1,613,746 alleles (0.0024%); highest among the groups gnomAD compares: Middle Eastern, 0.016%; no homozygotes.

Submissions (2):

Labcorp Genetics (formerly Invitae), Labcorp
Classification: Likely benign. Last evaluated: 2025-07-06. Review status: criteria provided, single submitter. Criteria: Invitae Variant Classification Sherloc (09022015). Collection method: clinical testing. Allele origin: germline.

PreventionGenetics, part of Exact Sciences
Classification: Likely benign for IGF1R-related condition. Last evaluated: 2022-10-04. Review status: no assertion criteria provided. Collection method: clinical testing. Allele origin: germline. Not counted in ClinVar's aggregate classification.
Comment: This variant is classified as likely benign based on ACMG/AMP sequence variant interpretation guidelines (Richards et al. 2015 PMID: 25741868, with internal and published modifications).

NM_000875.5(IGF1R):c.3372A>G (p.Ala1124=)

Gene: IGF1R (insulin like growth factor 1 receptor; plus strand). Cytogenetic location: 15q26.3.
Variant type: single nucleotide variant.
Coding change: c.3372A>G on transcript NM_000875.5 (MANE Select); coding-DNA position 3372, A replaced by G.
Protein change: p.Ala1124=; no amino-acid change (alanine 1124 retained).
Molecular consequence: synonymous variant.
Genome position (GRCh38, 1-based): chr15:98,939,275, A>G. VCF-style: chr15-98939275-A-G. GRCh37 (hg19) VCF-style: chr15-99482504-A-G.
Other names: c.3372A>G (NM_000875.4); c.3369A>G, p.Ala1123= (NM_001291858.2).
Identifiers: ClinVar variation 2971086 (VCV002971086.5), dbSNP rs765508308, ClinGen allele CA7752665.
Genomic context (GRCh38, chr15:98,939,275, plus strand): 5'-AGCACCTCCAAGCCTGAGCAAGATGATTCAGATGGCCGGAGAGATTGCAGACGGCATGGC[A>G]TACCTCAACGCCAATAAGTTCGTCCACAGAGACCTTGCTGCCCGGAATTGCATGGTAGCC-3'
Protein context (NP_000866.1, residues 1114-1134): QMAGEIADGM[Ala1124=]YLNANKFVHR